The following is an entry in ClinVar:

ClinVar aggregate classification (germline): Uncertain significance (1 of 4 stars; one submission).

Conditions:
Hereditary pheochromocytoma and paraganglioma. Also called: Hereditary Paraganglioma-Pheochromocytoma Syndromes; Hereditary pheochromocytoma-paraganglioma; Hereditary paragangliomas and pheochromocytomas. Identifiers: Orphanet 29072, MedGen C4274332, MONDO:0017366.

Submission:

Labcorp Genetics (formerly Invitae), Labcorp
Classification: Uncertain significance for Hereditary pheochromocytoma and paraganglioma. Last evaluated: 2023-12-17. Review status: criteria provided, single submitter. Criteria: Invitae Variant Classification Sherloc (09022015). Collection method: clinical testing. Allele origin: germline.
Comment: This sequence change replaces alanine, which is neutral and non-polar, with proline, which is neutral and non-polar, at codon 156 of the TMEM127 protein (p.Ala156Pro). This variant is not present in population databases (gnomAD no frequency). This variant has not been reported in the literature in individuals affected with TMEM127-related conditions. An algorithm developed to predict the effect of missense changes on protein structure and function (PolyPhen-2) suggests that this variant is likely to be tolerated. In summary, the available evidence is currently insufficient to determine the role of this variant in disease. Therefore, it has been classified as a Variant of Uncertain Significance.

NM_017849.4(TMEM127):c.466G>C (p.Ala156Pro)

Gene: TMEM127 (transmembrane protein 127; minus strand). Cytogenetic location: 2q11.2.
Variant type: single nucleotide variant.
Coding change: c.466G>C on transcript NM_017849.4 (MANE Select); coding-DNA position 466, G replaced by C.
Protein change: p.Ala156Pro; replaces alanine 156 with proline.
Molecular consequence: missense variant.
Genome position (GRCh38, 1-based): chr2:96,254,059, C>G on the plus strand (G>C on the coding strand, the complement: TMEM127 is on the minus strand). VCF-style: chr2-96254059-C-G. GRCh37 (hg19) VCF-style: chr2-96919797-C-G.
Other names: c.466G>C, p.Ala156Pro (NM_001193304.3); c.214G>C, p.Ala72Pro (NM_001407282.1, NM_001407283.1); short protein forms A72P, A156P.
Identifiers: ClinVar variation 2703636 (VCV002703636.3), dbSNP rs2104285136, ClinGen allele CA347652913.